The following is an entry in ClinVar:

ClinVar aggregate classification (germline): Benign. Review status: criteria provided, multiple submitters, no conflicts (2 of 4 stars). 3 submissions from 3 submitters: Benign (2). 1 of the submissions does not count toward it. Last evaluated 2021-05-04.

Conditions:
DNAH6-related disorder. Also called: DNAH6-related condition.

Allele frequency attached by ClinVar (database versions not stated): 1000 Genomes Project 0.04014; 1000 Genomes Project 30x 0.04076; ExAC 0.08272; TOPMed 0.09227; gnomAD exomes 0.09693; ESP Exome Variant Server 0.11520.
gnomAD v4.1: 208,958 of 1,551,182 alleles (13%); highest among the groups gnomAD compares: Non-Finnish European, 16%; 16,067 homozygotes.

Submissions (3):

GeneDx
Classification: Benign. Last evaluated: 2021-05-04. Review status: criteria provided, single submitter. Criteria: GeneDx Variant Classification Process June 2021. Collection method: clinical testing. Allele origin: germline. Affected: yes.

Breakthrough Genomics
Classification: Benign. Review status: criteria provided, single submitter. Criteria: ACMG Guidelines, 2015. Collection method: not provided. Allele origin: germline. Inheritance: Unknown mechanism. Affected: yes.

PreventionGenetics, part of Exact Sciences
Classification: Benign for DNAH6-related condition. Last evaluated: 2019-10-31. Review status: no assertion criteria provided. Collection method: clinical testing. Allele origin: germline. Not counted in ClinVar's aggregate classification.
Comment: This variant is classified as benign based on ACMG/AMP sequence variant interpretation guidelines (Richards et al. 2015 PMID: 25741868, with internal and published modifications).

NM_001370.2(DNAH6):c.5331G>A (p.Gly1777=)

Gene: DNAH6 (dynein axonemal heavy chain 6; plus strand). Cytogenetic location: 2p11.2.
Variant type: single nucleotide variant.
Coding change: c.5331G>A on transcript NM_001370.2 (MANE Select); coding-DNA position 5331, G replaced by A.
Protein change: p.Gly1777=; no amino-acid change (glycine 1777 retained).
Molecular consequence: synonymous variant.
Genome position (GRCh38, 1-based): chr2:84,653,571, G>A. VCF-style: chr2-84653571-G-A. GRCh37 (hg19) VCF-style: chr2-84880695-G-A.
Identifiers: ClinVar variation 1223056 (VCV001223056.6), dbSNP rs12992282, ClinGen allele CA1737222.